The following is an entry in ClinVar:

ClinVar aggregate classification (germline): Uncertain significance. Review status: criteria provided, multiple submitters, no conflicts (2 of 4 stars). 3 submissions from 3 submitters: Uncertain significance (3). Last evaluated 2025-10-01.

Conditions:
Hereditary cancer-predisposing syndrome. Also called: Neoplastic Syndromes, Hereditary; Tumor predisposition; Hereditary Cancer Syndrome; Hereditary neoplastic syndrome. Identifiers: Orphanet 140162, MedGen C0027672, MeSH D009386, MONDO:0015356.

Submissions (3):

Ambry Genetics
Classification: Uncertain significance for Hereditary cancer-predisposing syndrome. Last evaluated: 2025-10-01. Review status: criteria provided, single submitter. Criteria: Ambry Variant Classification Scheme 2023. Collection method: clinical testing. Allele origin: germline.
Comment: The p.E2778G variant (also known as c.8333A>G), located in coding exon 56 of the ATM gene, results from an A to G substitution at nucleotide position 8333. The glutamic acid at codon 2778 is replaced by glycine, an amino acid with similar properties. This amino acid position is well conserved in available vertebrate species. In addition, the in silico prediction for this alteration is inconclusive. Based on the available evidence, the clinical significance of this variant remains unclear.

Color Diagnostics, LLC DBA Color Health
Classification: Uncertain significance for Hereditary cancer-predisposing syndrome. Last evaluated: 2025-03-17. Review status: criteria provided, single submitter. Criteria: ACMG Guidelines, 2015. Collection method: clinical testing. Allele origin: germline.
Comment: This missense variant replaces glutamic acid with glycine at codon 2778 of the ATM protein. Computational prediction suggests that this variant may have deleterious impact on protein structure and function (internally defined REVEL score threshold >= 0.7, PMID: 27666373). To our knowledge, functional studies have not been reported for this variant. This variant has not been reported in individuals affected with ATM-related disorders in the literature. This variant has not been identified in the general population by the Genome Aggregation Database (gnomAD). The available evidence is insufficient to determine the role of this variant in disease conclusively. Therefore, this variant is classified as a Variant of Uncertain Significance.

GeneDx
Classification: Uncertain significance. Last evaluated: 2025-01-28. Review status: criteria provided, single submitter. Criteria: GeneDx Variant Classification Process June 2021. Collection method: clinical testing. Allele origin: germline. Affected: yes.
Comment: Not observed at significant frequency in large population cohorts (gnomAD); In silico analysis supports that this missense variant has a deleterious effect on protein structure/function; Has not been previously published as pathogenic or benign to our knowledge; This variant is associated with the following publications: (PMID: 23532176)

NM_000051.4(ATM):c.8333A>G (p.Glu2778Gly)

Genes: ATM (ATM serine/threonine kinase; plus strand), C11orf65 (chromosome 11 open reading frame 65; minus strand). Cytogenetic location: 11q22.3.
Variant type: single nucleotide variant.
Coding change: c.8333A>G on transcript NM_000051.4 (MANE Select); coding-DNA position 8333, A replaced by G.
Protein change: p.Glu2778Gly; replaces glutamic acid 2778 with glycine.
Molecular consequence: missense variant. On other transcripts: intron variant (2).
Genome position (GRCh38, 1-based): chr11:108,343,286, A>G. VCF-style: chr11-108343286-A-G. GRCh37 (hg19) VCF-style: chr11-108214013-A-G.
Other names: c.8333A>G, p.Glu2778Gly (NM_001351834.2); c.641-34215T>C (NM_001330368.2); c.695-7994T>C (NM_001351110.2); short protein forms E2778G.
Identifiers: ClinVar variation 3894262 (VCV003894262.2).
Genomic context (GRCh38, chr11:108,343,286, plus strand): 5'-TTCCCCTCTCTCAGCGAAGTGGTGTTCTTGAATGGTGCACAGGAACTGTCCCCATTGGTG[A>G]ATTTCTTGTTAACAATGAAGATGGTGCTCATAAAAGATACAGGCCAAATGATTTCAGTGC-3'
Protein context (NP_000042.3, residues 2768-2788): EWCTGTVPIG[Glu2778Gly]FLVNNEDGAH